The following is an entry in ClinVar:

NM_024079.5(ALG8):c.619C>G (p.Pro207Ala)

Gene: ALG8 (ALG8 alpha-1,3-glucosyltransferase; minus strand). Cytogenetic location: 11q14.1.
Variant type: single nucleotide variant.
Coding change: c.619C>G on transcript NM_024079.5 (MANE Select); coding-DNA position 619, C replaced by G.
Protein change: p.Pro207Ala; replaces proline 207 with alanine.
Molecular consequence: missense variant. On other transcripts: non-coding transcript variant (2), intron variant (1).
Genome position (GRCh38, 1-based): chr11:78,114,320, G>C on the plus strand (C>G on the coding strand, the complement: ALG8 is on the minus strand). VCF-style: chr11-78114320-G-C. GRCh37 (hg19) VCF-style: chr11-77825366-G-C.
Other names: c.619C>G, p.Pro207Ala (NM_001007027.3, NM_001425221.1, NM_001425222.1 and 11 more transcripts); c.622C>G, p.Pro208Ala (NM_001425219.1); c.604C>G, p.Pro202Ala (NM_001425220.1); c.712C>G, p.Pro238Ala (NM_001425224.1); c.466C>G, p.Pro156Ala (NM_001425226.1, NM_001425235.1, NM_001425236.1); c.418C>G, p.Pro140Ala (NM_001425231.1); c.355C>G, p.Pro119Ala (NM_001425234.1, NM_001425239.1); c.103C>G, p.Pro35Ala (NM_001425241.1); and 2 more; short protein forms P35A, P119A, P156A, P207A, P208A, P238A, P140A, P202A.
Identifiers: ClinVar variation 5002820 (VCV005002820.1).

ClinVar aggregate classification (germline): Uncertain significance (1 of 4 stars; one submission).

Conditions:
ALG8 congenital disorder of glycosylation. Also called: CONGENITAL DISORDER OF GLYCOSYLATION, TYPE Ih; CDG Ih; ALG8-CDG. Identifiers: Orphanet 79325, MedGen C2931002, MONDO:0011969, OMIM 608104.

Submission:

OLLIN Analises Genomicas, OLLIN
Classification: Uncertain significance for ALG8 congenital disorder of glycosylation. Last evaluated: 2026-08-06. Review status: criteria provided, single submitter. Criteria: ACMG Guidelines 2015 PMID 25741868. Collection method: clinical testing. Allele origin: germline. Inheritance: Autosomal recessive inheritance.
Comment: This missense variant, located in exon 6 (of 13), is absent from gnomAD and ClinVar and has not been identified in the literature. In silico analysis predicts that this variant has a deleterious effect. According to the currently available evidence, this variant has been classified as uncertain significance (PM2_P, PP3_M).